The following is an entry in ClinVar:

ClinVar aggregate classification (germline): Uncertain significance (1 of 4 stars; one submission).

Submission:

Ambry Genetics
Classification: Uncertain significance. Last evaluated: 2026-05-24. Review status: criteria provided, single submitter. Criteria: Ambry Variant Classification Scheme 2023. Collection method: clinical testing. Allele origin: germline.
Comment: The p.G796A variant (also known as c.2387G>C), located in coding exon 24 of the NEBL gene, results from a G to C substitution at nucleotide position 2387. The glycine at codon 796 is replaced by alanine, an amino acid with similar properties. This amino acid position is conserved. In addition, this alteration is predicted to be tolerated by in silico analysis. Based on the available evidence, the clinical significance of this variant remains unclear.

NM_006393.3(NEBL):c.2387G>C (p.Gly796Ala)

Gene: NEBL (nebulette; minus strand). Cytogenetic location: 10p12.31.
Variant type: single nucleotide variant.
Coding change: c.2387G>C on transcript NM_006393.3 (MANE Select); coding-DNA position 2387, G replaced by C.
Protein change: p.Gly796Ala; replaces glycine 796 with alanine.
Molecular consequence: missense variant.
Genome position (GRCh38, 1-based): chr10:20,812,900, C>G on the plus strand (G>C on the coding strand, the complement: NEBL is on the minus strand). VCF-style: chr10-20812900-C-G. GRCh37 (hg19) VCF-style: chr10-21101829-C-G.
Other names: c.341G>C, p.Gly114Ala (NM_001377324.1); c.332G>C, p.Gly111Ala (NM_001377325.1); c.290G>C, p.Gly97Ala (NM_001377326.1, NM_001377327.1, NM_001377328.1); c.398G>C, p.Gly133Ala (NM_213569.2, NM_001173484.2, NM_001377322.1); c.350G>C, p.Gly117Ala (NM_001377323.1); short protein forms G111A, G114A, G117A, G133A, G796A, G97A.
Identifiers: ClinVar variation 4860802 (VCV004860802.1).